The following is an entry in ClinVar:

NM_025074.7(FRAS1):c.10389+11C>T

Gene: FRAS1 (Fraser extracellular matrix complex subunit 1; plus strand). Cytogenetic location: 4q21.21.
Variant type: single nucleotide variant.
Coding change: c.10389+11C>T on transcript NM_025074.7 (MANE Select); 11 bases into the intron after coding-DNA position 10389, C replaced by T.
Molecular consequence: intron variant.
Genome position (GRCh38, 1-based): chr4:78,516,024, C>T. VCF-style: chr4-78516024-C-T. GRCh37 (hg19) VCF-style: chr4-79437178-C-T.
Identifiers: ClinVar variation 261796 (VCV000261796.14), dbSNP rs74632598, ClinGen allele CA2978937.

ClinVar aggregate classification (germline): Benign. Review status: criteria provided, multiple submitters, no conflicts (2 of 4 stars). 4 submissions from 4 submitters: Benign (4). Last evaluated 2026-02-04.

Conditions:
Fraser syndrome 1 (FRASRS1). Also called: CRYPTOPHTHALMOS WITH OTHER MALFORMATIONS. Identifiers: Orphanet 2052, MedGen C4551480, MONDO:0054737, OMIM 219000.

Allele frequency attached by ClinVar (database versions not stated): gnomAD exomes 0.13762; ExAC 0.16631; TOPMed 0.13950; gnomAD 0.13974 and 0.14352; 1000 Genomes Project 30x 0.07901; 1000 Genomes Project 0.07947; ESP Exome Variant Server 0.15656.
gnomAD v4.1: 289,544 of 1,604,770 alleles (18%); highest among the groups gnomAD compares: Non-Finnish European, 21%; 29,319 homozygotes.

Submissions (4):

Labcorp Genetics (formerly Invitae), Labcorp
Classification: Benign. Last evaluated: 2026-02-04. Review status: criteria provided, single submitter. Criteria: Invitae Variant Classification Sherloc (09022015). Collection method: clinical testing. Allele origin: germline.

Illumina Laboratory Services, Illumina
Classification: Benign for Fraser syndrome 1. Last evaluated: 2018-01-12. Review status: criteria provided, single submitter. Criteria: ICSL Variant Classification Criteria 13 December 2019. Collection method: clinical testing. Allele origin: germline.
Comment: This variant was observed in the ICSL laboratory as part of a predisposition screen in an ostensibly healthy population. It had not been previously curated by ICSL or reported in the Human Gene Mutation Database (HGMD: prior to June 1st, 2018), and was therefore a candidate for classification through an automated scoring system. Utilizing variant allele frequency, disease prevalence and penetrance estimates, and inheritance mode, an automated score was calculated to assess if this variant is too frequent to cause the disease. Based on the score and internal cut-off values, a variant classified as benign is not then subjected to further curation. The score for this variant resulted in a classification of benign for this disease.

Breakthrough Genomics
Classification: Benign. Review status: criteria provided, single submitter. Criteria: ACMG Guidelines, 2015. Collection method: not provided. Allele origin: germline. Inheritance: Autosomal recessive inheritance. Affected: yes.

PreventionGenetics, part of Exact Sciences
Classification: Benign. Review status: criteria provided, single submitter. Criteria: ACMG Guidelines, 2015. Collection method: clinical testing. Allele origin: germline.